The following is an entry in ClinVar:

NM_001378183.1(PIEZO2):c.8384G>T (p.Gly2795Val)

Gene: PIEZO2 (piezo type mechanosensitive ion channel component 2; minus strand). Cytogenetic location: 18p11.22.
Variant type: single nucleotide variant.
Coding change: c.8384G>T on transcript NM_001378183.1 (MANE Select); coding-DNA position 8384, G replaced by T.
Protein change: p.Gly2795Val; replaces glycine 2795 with valine.
Molecular consequence: missense variant.
Genome position (GRCh38, 1-based): chr18:10,671,741, C>A on the plus strand (G>T on the coding strand, the complement: PIEZO2 is on the minus strand). VCF-style: chr18-10671741-C-A. GRCh37 (hg19) VCF-style: chr18-10671738-C-A.
Other names: c.8045G>T, p.Gly2682Val (NM_022068.4); short protein forms G2682V, G2795V.
Identifiers: ClinVar variation 989306 (VCV000989306.6), dbSNP rs2033787448, ClinGen allele CA401912203.

ClinVar aggregate classification (germline): Uncertain significance (1 of 4 stars; one submission).

Submission:

Illumina Laboratory Services, Illumina
Classification: Uncertain significance. Last evaluated: 2019-09-04. Review status: criteria provided, single submitter. Criteria: ICSLVariantClassificationCriteria RUGD 01 April 2020. Collection method: clinical testing. Allele origin: unknown.
Comment: The PIEZO2 c.8045G>T (p.Gly2682Val) variant is a missense variant. A literature search was performed for this gene, cDNA change, and amino acid change. No publications were found based on this search. This variant is not found in the Genome Aggregation Database in a region of good sequence coverage so the variant is presumed to be rare. Based on the available evidence, the p.Gly2682Val variant is classified as a variant of uncertain significance.